The following is an entry in ClinVar:

ClinVar aggregate classification (germline): Conflicting classifications of pathogenicity. Review status: criteria provided, conflicting classifications (1 of 4 stars). 4 submissions from 4 submitters: Uncertain significance (1); Benign (1); Likely benign (1). 1 of the submissions does not count toward it. Last evaluated 2026-01-27.

Conditions:
COL6A1-related disorder. Also called: COL6A1-related condition.
Collagen 6-related myopathy. Identifiers: MedGen CN117976, MONDO:0100225.
Bethlem myopathy 1A. Also called: Bethlem Muscular Dystrophy; MYOPATHY, BENIGN CONGENITAL, WITH CONTRACTURES; Bethlem myopathy 1. Identifiers: Orphanet 610, MedGen CN029274, MONDO:0024530, OMIM 158810.

Allele frequency attached by ClinVar (database versions not stated): gnomAD 0.00006; TOPMed 0.00007; ESP Exome Variant Server 0.00015; gnomAD exomes 0.00018; ExAC 0.00020.
gnomAD v4.1: 134 of 1,613,914 alleles (0.0083%); highest among the groups gnomAD compares: Non-Finnish European, 0.0031%; no homozygotes.

Submissions (4):

Labcorp Genetics (formerly Invitae), Labcorp
Classification: Likely benign for Bethlem myopathy 1A. Last evaluated: 2026-01-27. Review status: criteria provided, single submitter. Criteria: Invitae Variant Classification Sherloc (09022015). Collection method: clinical testing. Allele origin: germline.

Illumina Laboratory Services, Illumina
Classification: Benign for Collagen VI-related myopathy. Last evaluated: 2018-01-13. Review status: criteria provided, single submitter. Criteria: ICSL Variant Classification Criteria 13 December 2019. Collection method: clinical testing. Allele origin: germline.
Comment: This variant was observed in the ICSL laboratory as part of a predisposition screen in an ostensibly healthy population. It had not been previously curated by ICSL or reported in the Human Gene Mutation Database (HGMD: prior to June 1st, 2018), and was therefore a candidate for classification through an automated scoring system. Utilizing variant allele frequency, disease prevalence and penetrance estimates, and inheritance mode, an automated score was calculated to assess if this variant is too frequent to cause the disease. Based on the score and internal cut-off values, a variant classified as benign is not then subjected to further curation. The score for this variant resulted in a classification of benign for this disease.

Eurofins Ntd Llc (ga)
Classification: Uncertain significance. Last evaluated: 2017-07-03. Review status: criteria provided, single submitter. Criteria: EGL Classification Definitions 2015. Collection method: clinical testing. Allele origin: germline. Observed: 2 variant alleles, 2 heterozygotes.

PreventionGenetics, part of Exact Sciences
Classification: Likely benign for COL6A1-related condition. Last evaluated: 2024-01-31. Review status: no assertion criteria provided. Collection method: clinical testing. Allele origin: germline. Not counted in ClinVar's aggregate classification.
Comment: This variant is classified as likely benign based on ACMG/AMP sequence variant interpretation guidelines (Richards et al. 2015 PMID: 25741868, with internal and published modifications).

NM_001848.3(COL6A1):c.2355C>A (p.Gly785=)

Gene: COL6A1 (collagen type VI alpha 1 chain; plus strand). Cytogenetic location: 21q22.3.
Variant type: single nucleotide variant.
Coding change: c.2355C>A on transcript NM_001848.3 (MANE Select); coding-DNA position 2355, C replaced by A.
Protein change: p.Gly785=; no amino-acid change (glycine 785 retained).
Molecular consequence: synonymous variant.
Genome position (GRCh38, 1-based): chr21:46,002,631, C>A. VCF-style: chr21-46002631-C-A. GRCh37 (hg19) VCF-style: chr21-47422545-C-A.
Identifiers: ClinVar variation 289117 (VCV000289117.21), dbSNP rs149910296, ClinGen allele CA10070849.